The following is an entry in ClinVar:

NM_006005.3(WFS1):c.2013G>A (p.Ala671=)

Gene: WFS1 (wolframin ER transmembrane glycoprotein; plus strand). Cytogenetic location: 4p16.1.
Variant type: single nucleotide variant.
Coding change: c.2013G>A on transcript NM_006005.3 (MANE Select); coding-DNA position 2013, G replaced by A.
Protein change: p.Ala671=; no amino-acid change (alanine 671 retained).
Molecular consequence: synonymous variant.
Genome position (GRCh38, 1-based): chr4:6,301,808, G>A. VCF-style: chr4-6301808-G-A. GRCh37 (hg19) VCF-style: chr4-6303535-G-A.
Other names: c.2013G>A, p.Ala671= (NM_001145853.1).
Identifiers: ClinVar variation 166601 (VCV000166601.51), dbSNP rs147262416, ClinGen allele CA179663.

ClinVar aggregate classification (germline): Benign/Likely benign. Review status: criteria provided, multiple submitters, no conflicts (2 of 4 stars). 7 submissions from 7 submitters: Benign (1); Likely benign (5). 1 of the submissions does not count toward it. Last evaluated 2025-11-15.

Conditions:
WFS1-related disorder. Identifiers: MedGen CN379391, MONDO:0700293.
Wolfram syndrome 1 (WFS1). Identifiers: Orphanet 3463, MedGen C4551693, MONDO:0009101, OMIM 222300.

Allele frequency attached by ClinVar (database versions not stated): gnomAD 0.00016; ExAC 0.00018; TOPMed 0.00019; 1000 Genomes Project 30x 0.00031; ESP Exome Variant Server 0.00031; 1000 Genomes Project 0.00040.
gnomAD v4.1: 548 of 1,613,178 alleles (0.034%); highest among the groups gnomAD compares: Non-Finnish European, 0.04%; 1 homozygote.

Submissions (7):

Labcorp Genetics (formerly Invitae), Labcorp
Classification: Likely benign. Last evaluated: 2025-11-15. Review status: criteria provided, single submitter. Criteria: Invitae Variant Classification Sherloc (09022015). Collection method: clinical testing. Allele origin: germline.

Blueprint Genetics
Classification: Likely benign. Last evaluated: 2024-11-19. Review status: criteria provided, single submitter. Criteria: ACMG Guidelines, 2015. Collection method: clinical testing. Allele origin: germline.

CeGaT Center for Human Genetics Tuebingen
Classification: Likely benign. Last evaluated: 2024-02-01. Review status: criteria provided, single submitter. Criteria: CeGaT Center For Human Genetics Tuebingen Variant Classification Criteria Version 2. Collection method: clinical testing. Allele origin: germline. Affected: yes. Observed: 2 variant alleles.
Comment: WFS1: BP4, BP7

GeneDx
Classification: Likely benign. Last evaluated: 2021-06-15. Review status: criteria provided, single submitter. Criteria: GeneDx Variant Classification Process June 2021. Collection method: clinical testing. Allele origin: germline. Affected: yes.

Laboratory for Molecular Medicine, Mass General Brigham Personalized Medicine
Classification: Likely benign. Last evaluated: 2013-06-11. Review status: criteria provided, single submitter. Criteria: LMM Criteria. Collection method: clinical testing. Allele origin: germline. Observed: 2 variant alleles.
Comment: Ala671Ala in Exon 08 of WFS1: This variant is not expected to have clinical sign ificance because it does not alter an amino acid residue, is not located within the splice consensus sequence, and has been identified in 0.1% (3/4406) of Afric an American chromosomes from a broad population by the NHLBI Exome Sequencing Pr oject (dbSNP rs147262416).

Clinical Genomics, Uppaluri K&H Personalized Medicine Clinic
Classification: Benign for Wolfram syndrome 1. Review status: criteria provided, single submitter. Criteria: K & H Uppaluri Personalized Medicine Clinic Variant Classification & Assertion Criteria_Updated V.1. Collection method: research. Allele origin: unknown. Inheritance: Autosomal recessive inheritance.
Comment: Potent mutations in WFS1 gene are associated with Wolfram's syndrome, an autosomal recessive condition, which cause diabetes mellitus, diabetes insipidus, deafness and optic atrophy.However no sufficient evidence is found to ascertain the role of this particular variant rs147262416 in Wolfram's syndrome yet.

PreventionGenetics, part of Exact Sciences
Classification: Likely benign for WFS1-related condition. Last evaluated: 2023-07-28. Review status: no assertion criteria provided. Collection method: clinical testing. Allele origin: germline. Not counted in ClinVar's aggregate classification.
Comment: This variant is classified as likely benign based on ACMG/AMP sequence variant interpretation guidelines (Richards et al. 2015 PMID: 25741868, with internal and published modifications).

Literature cited by the submitters: PubMed 20738327 (cited by Clinical Genomics, Uppaluri K&H Personalized Medicine Clinic); PubMed 33879153 (cited by Clinical Genomics, Uppaluri K&H Personalized Medicine Clinic); PubMed 12955714 (cited by Clinical Genomics, Uppaluri K&H Personalized Medicine Clinic); PubMed 20301750 (cited by Clinical Genomics, Uppaluri K&H Personalized Medicine Clinic); PubMed 18060660 (cited by Clinical Genomics, Uppaluri K&H Personalized Medicine Clinic); PubMed 17603484 (cited by Clinical Genomics, Uppaluri K&H Personalized Medicine Clinic).